The following is an entry in ClinVar:

NM_015425.6(POLR1A):c.1178G>A (p.Arg393His)

Gene: POLR1A (RNA polymerase I subunit A; minus strand). Cytogenetic location: 2p11.2.
Variant type: single nucleotide variant.
Coding change: c.1178G>A on transcript NM_015425.6 (MANE Select); coding-DNA position 1178, G replaced by A.
Protein change: p.Arg393His; replaces arginine 393 with histidine.
Molecular consequence: missense variant.
Genome position (GRCh38, 1-based): chr2:86,078,193, C>T on the plus strand (G>A on the coding strand, the complement: POLR1A is on the minus strand). VCF-style: chr2-86078193-C-T. GRCh37 (hg19) VCF-style: chr2-86305316-C-T.
Other names: short protein forms R393H.
Identifiers: ClinVar variation 1924514 (VCV001924514.5), dbSNP rs942408597, ClinGen allele CA51359730.

ClinVar aggregate classification (germline): Uncertain significance (1 of 4 stars; one submission).

Allele frequency attached by ClinVar (database versions not stated): gnomAD exomes 0.00001; gnomAD 0.00005; TOPMed 0.00005.
gnomAD v4.1: 27 of 1,613,164 alleles (0.0017%); highest among the groups gnomAD compares: African/African-American, 0.015%; no homozygotes.

Submission:

Labcorp Genetics (formerly Invitae), Labcorp
Classification: Uncertain significance. Last evaluated: 2024-12-09. Review status: criteria provided, single submitter. Criteria: Invitae Variant Classification Sherloc (09022015). Collection method: clinical testing. Allele origin: germline.
Comment: This sequence change replaces arginine, which is basic and polar, with histidine, which is basic and polar, at codon 393 of the POLR1A protein (p.Arg393His). This variant is present in population databases (no rsID available, gnomAD 0.02%). This missense change has been observed in individual(s) with clinical features of acrofacial dysostosis (PMID: 37075751). ClinVar contains an entry for this variant (Variation ID: 1924514). Invitae Evidence Modeling of protein sequence and biophysical properties (such as structural, functional, and spatial information, amino acid conservation, physicochemical variation, residue mobility, and thermodynamic stability) indicates that this missense variant is not expected to disrupt POLR1A protein function with a negative predictive value of 80%. Experimental studies have shown that this missense change affects POLR1A function (PMID: 37075751). In summary, the available evidence is currently insufficient to determine the role of this variant in disease. Therefore, it has been classified as a Variant of Uncertain Significance.

Literature cited by the submitters: PubMed 37075751.